The following is an entry in ClinVar:

ClinVar aggregate classification (germline): Uncertain significance (1 of 4 stars; one submission).

Conditions:
Aortic aneurysm, familial thoracic 4 (AAT4). Also called: AORTIC ANEURYSM/AORTIC DISSECTION AND PATENT DUCTUS ARTERIOSUS. Identifiers: MedGen C1851504, MONDO:0007568, OMIM 132900.

gnomAD v4.1: 3 of 1,613,636 alleles (0.00019%); highest among the groups gnomAD compares: Admixed American, 0.005%; no homozygotes.

Submission:

Labcorp Genetics (formerly Invitae), Labcorp
Classification: Uncertain significance for Aortic aneurysm, familial thoracic 4. Last evaluated: 2025-12-13. Review status: criteria provided, single submitter. Criteria: Invitae Variant Classification Sherloc (09022015). Collection method: clinical testing. Allele origin: germline.
Comment: This sequence change falls in intron 27 of the MYH11 gene. It does not directly change the encoded amino acid sequence of the MYH11 protein. It affects a nucleotide within the consensus splice site. This variant is present in population databases (rs781594060, gnomAD 0.009%). This variant has not been reported in the literature in individuals affected with MYH11-related conditions. Variants that disrupt the consensus splice site are a relatively common cause of aberrant splicing (PMID: 17576681, 9536098). Algorithms developed to predict the effect of sequence changes on RNA splicing suggest that this variant is not likely to affect RNA splicing. In summary, the available evidence is currently insufficient to determine the role of this variant in disease. Therefore, it has been classified as a Variant of Uncertain Significance.

Literature cited by the submitters: PubMed 17576681; PubMed 9536098.

NM_002474.3(MYH11):c.3506+3G>T

Gene: MYH11 (myosin heavy chain 11; minus strand). Cytogenetic location: 16p13.11.
Variant type: single nucleotide variant.
Coding change: c.3506+3G>T on transcript NM_002474.3 (MANE Select); 3 bases into the intron after coding-DNA position 3506, G replaced by T.
Molecular consequence: intron variant.
Genome position (GRCh38, 1-based): chr16:15,735,363, C>A on the plus strand (G>T on the coding strand, the complement: MYH11 is on the minus strand). VCF-style: chr16-15735363-C-A. GRCh37 (hg19) VCF-style: chr16-15829220-C-A.
Other names: c.3506+3G>T (NM_022844.3); c.3527+3G>T (NM_001040114.2, NM_001040113.2).
Identifiers: ClinVar variation 4749705 (VCV004749705.1).